The following is an entry in ClinVar:

ClinVar aggregate classification (germline): Uncertain significance (1 of 4 stars; one submission).

Allele frequency attached by ClinVar (database versions not stated): TOPMed 0.00001.

Submission:

Labcorp Genetics (formerly Invitae), Labcorp
Classification: Uncertain significance. Last evaluated: 2022-01-12. Review status: criteria provided, single submitter. Criteria: Invitae Variant Classification Sherloc (09022015). Collection method: clinical testing. Allele origin: germline.
Comment: In summary, the available evidence is currently insufficient to determine the role of this variant in disease. Therefore, it has been classified as a Variant of Uncertain Significance. Algorithms developed to predict the effect of missense changes on protein structure and function are either unavailable or do not agree on the potential impact of this missense change (SIFT: "Deleterious"; PolyPhen-2: "Probably Damaging"; Align-GVGD: "Class C0"). ClinVar contains an entry for this variant (Variation ID: 1041896). This variant has not been reported in the literature in individuals affected with DVL1-related conditions. This variant is not present in population databases (gnomAD no frequency). This sequence change replaces glutamic acid, which is acidic and polar, with glutamine, which is neutral and polar, at codon 296 of the DVL1 protein (p.Glu296Gln).

NM_001330311.2(DVL1):c.886G>C (p.Glu296Gln)

Gene: DVL1 (dishevelled segment polarity protein 1; minus strand). Cytogenetic location: 1p36.33.
Variant type: single nucleotide variant.
Coding change: c.886G>C on transcript NM_001330311.2 (MANE Select); coding-DNA position 886, G replaced by C.
Protein change: p.Glu296Gln; replaces glutamic acid 296 with glutamine.
Molecular consequence: missense variant.
Genome position (GRCh38, 1-based): chr1:1,340,061, C>G on the plus strand (G>C on the coding strand, the complement: DVL1 is on the minus strand). VCF-style: chr1-1340061-C-G. GRCh37 (hg19) VCF-style: chr1-1275441-C-G.
Other names: c.886G>C, p.Glu296Gln (NM_004421.3); short protein forms E296Q.
Identifiers: ClinVar variation 1041896 (VCV001041896.8), dbSNP rs984999165, ClinGen allele CA337869352.